The following is an entry in ClinVar:

ClinVar aggregate classification (germline): Uncertain significance (1 of 4 stars; one submission).

Allele frequency attached by ClinVar (database versions not stated): TOPMed below 0.00001; ExAC 0.00001; gnomAD 0.00001; gnomAD exomes 0.00001 and 0.00002.
gnomAD v4.1: 12 of 1,612,966 alleles (0.00074%); highest among the groups gnomAD compares: East Asian, 0.0022%; no homozygotes.

Submission:

Labcorp Genetics (formerly Invitae), Labcorp
Classification: Uncertain significance. Last evaluated: 2022-06-20. Review status: criteria provided, single submitter. Criteria: Invitae Variant Classification Sherloc (09022015). Collection method: clinical testing. Allele origin: germline.
Comment: ClinVar contains an entry for this variant (Variation ID: 970921). Algorithms developed to predict the effect of missense changes on protein structure and function (SIFT, PolyPhen-2, Align-GVGD) all suggest that this variant is likely to be tolerated. In summary, the available evidence is currently insufficient to determine the role of this variant in disease. Therefore, it has been classified as a Variant of Uncertain Significance. This sequence change replaces serine, which is neutral and polar, with phenylalanine, which is neutral and non-polar, at codon 2260 of the SZT2 protein (p.Ser2260Phe). This variant is present in population databases (rs772570227, gnomAD 0.04%). This variant has not been reported in the literature in individuals affected with SZT2-related conditions.

NM_001365999.1(SZT2):c.6950C>T (p.Ser2317Phe)

Gene: SZT2 (SZT2 subunit of KICSTOR complex; plus strand). Cytogenetic location: 1p34.2.
Variant type: single nucleotide variant.
Coding change: c.6950C>T on transcript NM_001365999.1 (MANE Select); coding-DNA position 6950, C replaced by T.
Protein change: p.Ser2317Phe; replaces serine 2317 with phenylalanine.
Molecular consequence: missense variant.
Genome position (GRCh38, 1-based): chr1:43,439,677, C>T. VCF-style: chr1-43439677-C-T. GRCh37 (hg19) VCF-style: chr1-43905348-C-T.
Other names: c.6779C>T, p.Ser2260Phe (NM_015284.4); short protein forms S2317F, S2260F.
Identifiers: ClinVar variation 970921 (VCV000970921.10), dbSNP rs772570227, ClinGen allele CA810063.